The following is an entry in ClinVar:

ClinVar aggregate classification (germline): Uncertain significance (1 of 4 stars; one submission).

Allele frequency attached by ClinVar (database versions not stated): gnomAD exomes 0.00001.
gnomAD v4.1: 1 of 1,613,952 alleles (0.000062%); highest among the groups gnomAD compares: East Asian, 0.0022%; no homozygotes.

Submission:

GeneDx
Classification: Uncertain significance. Last evaluated: 2020-02-06. Review status: criteria provided, single submitter. Criteria: GeneDx Variant Classification Process June 2021. Collection method: clinical testing. Allele origin: germline. Affected: yes.
Comment: In silico analysis supports that this missense variant does not alter protein structure/function; Has not been previously published as pathogenic or benign to our knowledge

NM_006245.4(PPP2R5D):c.313G>T (p.Ala105Ser)

Gene: PPP2R5D (protein phosphatase 2 regulatory subunit B'delta; plus strand). Cytogenetic location: 6p21.1.
Variant type: single nucleotide variant.
Coding change: c.313G>T on transcript NM_006245.4 (MANE Select); coding-DNA position 313, G replaced by T.
Protein change: p.Ala105Ser; replaces alanine 105 with serine.
Molecular consequence: missense variant. On other transcripts: 5 prime UTR variant (1), intron variant (2).
Genome position (GRCh38, 1-based): chr6:43,006,670, G>T. VCF-style: chr6-43006670-G-T. GRCh37 (hg19) VCF-style: chr6-42974408-G-T.
Other names: c.-141G>T (NM_001270476.2); c.249+64G>T (NM_180976.3); c.28-264G>T (NM_180977.3); short protein forms A105S.
Identifiers: ClinVar variation 1315178 (VCV001315178.2), dbSNP rs1277257630, ClinGen allele CA364181862.